The following is an entry in ClinVar:

NM_152468.5(TMC8):c.1810C>T (p.Leu604Phe)

Gene: TMC8 (transmembrane channel like 8; plus strand). Cytogenetic location: 17q25.3.
Variant type: single nucleotide variant.
Coding change: c.1810C>T on transcript NM_152468.5 (MANE Select); coding-DNA position 1810, C replaced by T.
Protein change: p.Leu604Phe; replaces leucine 604 with phenylalanine.
Molecular consequence: missense variant.
Genome position (GRCh38, 1-based): chr17:78,138,719, C>T. VCF-style: chr17-78138719-C-T. GRCh37 (hg19) VCF-style: chr17-76134800-C-T.
Other names: short protein forms L604F.
Identifiers: ClinVar variation 2743283 (VCV002743283.3), dbSNP rs775981986, ClinGen allele CA401252582.
Genomic context (GRCh38, chr17:78,138,719, plus strand): 5'-CCGCCCATTGGCCAGCGTGCCCTCCACTACCTGGGCTCCCACGCCTTCAGCTTCCCCCTC[C>T]TCATCATGCTCAGGTTCTCAGGGCAGCCGGGGCCATGGGAGGGGACACCTGGAGGGGGAG-3'
Protein context (NP_689681.2, residues 594-614): LGSHAFSFPL[Leu604Phe]IMLSLVLTVC

ClinVar aggregate classification (germline): Uncertain significance (1 of 4 stars; one submission).

Conditions:
Epidermodysplasia verruciformis. Identifiers: Orphanet 302, MedGen C0014522, MONDO:0009176.

Submission:

Labcorp Genetics (formerly Invitae), Labcorp
Classification: Uncertain significance for Epidermodysplasia verruciformis. Last evaluated: 2023-07-14. Review status: criteria provided, single submitter. Criteria: Invitae Variant Classification Sherloc (09022015). Collection method: clinical testing. Allele origin: germline.
Comment: In summary, the available evidence is currently insufficient to determine the role of this variant in disease. Therefore, it has been classified as a Variant of Uncertain Significance. Advanced modeling of protein sequence and biophysical properties (such as structural, functional, and spatial information, amino acid conservation, physicochemical variation, residue mobility, and thermodynamic stability) performed at Invitae indicates that this missense variant is not expected to disrupt TMC8 protein function. This variant has not been reported in the literature in individuals affected with TMC8-related conditions. This variant is not present in population databases (gnomAD no frequency). This sequence change replaces leucine, which is neutral and non-polar, with phenylalanine, which is neutral and non-polar, at codon 604 of the TMC8 protein (p.Leu604Phe).